The following is an entry in ClinVar:

ClinVar aggregate classification (germline): Uncertain significance. Review status: criteria provided, multiple submitters, no conflicts (2 of 4 stars). 2 submissions from 2 submitters: Uncertain significance (2). Last evaluated 2025-11-05.

Conditions:
Episodic ataxia type 2 (EA2). Also called: ATAXIA, EPISODIC, WITH NYSTAGMUS; ATAXIA, FAMILIAL PAROXYSMAL; CEREBELLAR ATAXIA, PAROXYSMAL, ACETAZOLAMIDE-RESPONSIVE; CEREBELLOPATHY, HEREDITARY PAROXYSMAL; EPISODIC ATAXIA, NYSTAGMUS-ASSOCIATED; ACETAZOLAMIDE-RESPONSIVE HEREDITARY PAROXYSMAL CEREBELLAR ATAXIA. Identifiers: Orphanet 97, MedGen C1720416, MONDO:0007163, OMIM 108500.
Developmental and epileptic encephalopathy, 42 (DEE42A). Also called: DEVELOPMENTAL AND EPILEPTIC ENCEPHALOPATHY 42A; EPILEPTIC ENCEPHALOPATHY, EARLY INFANTILE, 42A; Epileptic encephalopathy, early infantile, 42. Identifiers: MedGen C4310716, MONDO:0014917, OMIM 617106.

Submissions (2):

Labcorp Genetics (formerly Invitae), Labcorp
Classification: Uncertain significance for Developmental and epileptic encephalopathy, 42; Episodic ataxia type 2. Last evaluated: 2025-11-05. Review status: criteria provided, single submitter. Criteria: Invitae Variant Classification Sherloc (09022015). Collection method: clinical testing. Allele origin: germline.
Comment: This sequence change replaces glutamine, which is neutral and polar, with histidine, which is basic and polar, at codon 54 of the CACNA1A protein (p.Gln54His). This variant is not present in population databases (gnomAD no frequency). This variant has not been reported in the literature in individuals affected with CACNA1A-related conditions. ClinVar contains an entry for this variant (Variation ID: 3897303). Invitae Evidence Modeling of protein sequence and biophysical properties (such as structural, functional, and spatial information, amino acid conservation, physicochemical variation, residue mobility, and thermodynamic stability) indicates that this missense variant is expected to disrupt CACNA1A protein function with a positive predictive value of 95%. In summary, the available evidence is currently insufficient to determine the role of this variant in disease. Therefore, it has been classified as a Variant of Uncertain Significance.

GeneDx
Classification: Uncertain significance. Last evaluated: 2024-10-25. Review status: criteria provided, single submitter. Criteria: GeneDx Variant Classification Process June 2021. Collection method: clinical testing. Allele origin: germline. Affected: yes.
Comment: Not observed at significant frequency in large population cohorts (gnomAD); In silico analysis supports that this missense variant has a deleterious effect on protein structure/function; Has not been previously published as pathogenic or benign to our knowledge

NM_001127222.2(CACNA1A):c.162G>C (p.Gln54His)

Gene: CACNA1A (calcium voltage-gated channel subunit alpha1 A; minus strand). Cytogenetic location: 19p13.13.
Variant type: single nucleotide variant.
Coding change: c.162G>C on transcript NM_001127222.2 (MANE Select); coding-DNA position 162, G replaced by C.
Protein change: p.Gln54His; replaces glutamine 54 with histidine.
Molecular consequence: missense variant.
Genome position (GRCh38, 1-based): chr19:13,506,063, C>G on the plus strand (G>C on the coding strand, the complement: CACNA1A is on the minus strand). VCF-style: chr19-13506063-C-G. GRCh37 (hg19) VCF-style: chr19-13616877-C-G.
Other names: c.162G>C, p.Gln54His (NM_000068.4, NM_001127221.2, NM_001174080.2 and 1 more transcripts); short protein forms Q54H.
Identifiers: ClinVar variation 3897303 (VCV003897303.2).